The following is an entry in ClinVar:

NM_001849.4(COL6A2):c.1906A>T (p.Asn636Tyr)

Gene: COL6A2 (collagen type VI alpha 2 chain; plus strand). Cytogenetic location: 21q22.3.
Variant type: single nucleotide variant.
Coding change: c.1906A>T on transcript NM_001849.4 (MANE Select); coding-DNA position 1906, A replaced by T.
Protein change: p.Asn636Tyr; replaces asparagine 636 with tyrosine.
Molecular consequence: missense variant.
Genome position (GRCh38, 1-based): chr21:46,125,554, A>T. VCF-style: chr21-46125554-A-T. GRCh37 (hg19) VCF-style: chr21-47545468-A-T.
Other names: c.1906A>T, p.Asn636Tyr (NM_058174.3, NM_058175.3); short protein forms N636Y.
Identifiers: ClinVar variation 1448294 (VCV001448294.6), dbSNP rs2123662036, ClinGen allele CA410538801.

ClinVar aggregate classification (germline): Uncertain significance (1 of 4 stars; one submission).

Conditions:
Bethlem myopathy 1A. Also called: MYOPATHY, BENIGN CONGENITAL, WITH CONTRACTURES; Bethlem Muscular Dystrophy; Bethlem myopathy 1. Identifiers: Orphanet 610, MedGen CN029274, MONDO:0024530, OMIM 158810.

Submission:

Labcorp Genetics (formerly Invitae), Labcorp
Classification: Uncertain significance for Bethlem myopathy 1A. Last evaluated: 2026-01-09. Review status: criteria provided, single submitter. Criteria: Invitae Variant Classification Sherloc (09022015). Collection method: clinical testing. Allele origin: germline.
Comment: This sequence change replaces asparagine, which is neutral and polar, with tyrosine, which is neutral and polar, at codon 636 of the COL6A2 protein (p.Asn636Tyr). This variant is not present in population databases (gnomAD no frequency). This variant has not been reported in the literature in individuals affected with COL6A2-related conditions. ClinVar contains an entry for this variant (Variation ID: 1448294). Invitae Evidence Modeling of protein sequence and biophysical properties (such as structural, functional, and spatial information, amino acid conservation, physicochemical variation, residue mobility, and thermodynamic stability) has been performed for this missense variant. However, the output from this modeling did not meet the statistical confidence thresholds required to predict the impact of this variant on COL6A2 protein function. In summary, the available evidence is currently insufficient to determine the role of this variant in disease. Therefore, it has been classified as a Variant of Uncertain Significance.